The following is an entry in ClinVar:

ClinVar aggregate classification (germline): Benign. Review status: criteria provided, multiple submitters, no conflicts (2 of 4 stars). 2 submissions from 2 submitters: Benign (2). Last evaluated 2025-01-01.

Conditions:
Vesicoureteral reflux 2 (VUR2). Identifiers: Orphanet 289365, MedGen C1970483, MONDO:0012573, OMIM 610878.

Allele frequency attached by ClinVar (database versions not stated): gnomAD 0.00030; gnomAD exomes 0.00033 and 0.00046; TOPMed 0.00033; ExAC 0.00052; ESP Exome Variant Server 0.00059.
gnomAD v4.1: 528 of 1,607,754 alleles (0.033%); highest among the groups gnomAD compares: Non-Finnish European, 0.032%; 1 homozygote.

Submissions (3):

Labcorp Genetics (formerly Invitae), Labcorp
Classification: Benign. Last evaluated: 2025-01-01. Review status: criteria provided, single submitter. Criteria: Invitae Variant Classification Sherloc (09022015). Collection method: clinical testing. Allele origin: germline.

Illumina Laboratory Services, Illumina
Classification: Benign for Vesicoureteral reflux 2. Last evaluated: 2018-01-12. Review status: criteria provided, single submitter. Criteria: ICSL Variant Classification Criteria 13 December 2019. Collection method: clinical testing. Allele origin: germline.
Comment: This variant was observed in the ICSL laboratory as part of a predisposition screen in an ostensibly healthy population. It had not been previously curated by ICSL or reported in the Human Gene Mutation Database (HGMD: prior to June 1st, 2018), and was therefore a candidate for classification through an automated scoring system. Utilizing variant allele frequency, disease prevalence and penetrance estimates, and inheritance mode, an automated score was calculated to assess if this variant is too frequent to cause the disease. Based on the score and internal cut-off values, a variant classified as benign is not then subjected to further curation. The score for this variant resulted in a classification of benign for this disease.

Dr. Peter K. Rogan Lab, Western University
No classification provided (evidence only). Condition: Lung cancer. Review status: no classification provided. Collection method: in vitro. Allele origin: not applicable. Functional consequence: retained intron. Not counted in ClinVar's aggregate classification.

NM_001395656.1(ROBO2):c.807-7T>A

Gene: ROBO2 (roundabout guidance receptor 2; plus strand). Cytogenetic location: 3p12.3.
Variant type: single nucleotide variant.
Coding change: c.807-7T>A on transcript NM_001395656.1 (MANE Select); 7 bases into the intron before coding-DNA position 807, T replaced by A.
Molecular consequence: intron variant.
Genome position (GRCh38, 1-based): chr3:77,522,768, T>A. VCF-style: chr3-77522768-T-A. GRCh37 (hg19) VCF-style: chr3-77571919-T-A.
Other names: c.855-7T>A (NM_001378191.1, NM_001378195.1, NM_001378196.1 and 5 more transcripts); c.876-7T>A (NM_001394213.1, NM_001378192.1, NM_001378198.1 and 5 more transcripts); c.807-7T>A (NM_001290040.2, NM_001290039.2, NM_001378202.1 and 3 more transcripts); c.-1112-7T>A (NM_001290065.2).
Identifiers: ClinVar variation 346680 (VCV000346680.9), dbSNP rs200430970, ClinGen allele CA2496860.